The following is an entry in ClinVar:

NM_006231.4(POLE):c.1760A>G (p.Lys587Arg)

Gene: POLE (DNA polymerase epsilon, catalytic subunit; minus strand). Cytogenetic location: 12q24.33.
Variant type: single nucleotide variant.
Coding change: c.1760A>G on transcript NM_006231.4 (MANE Select); coding-DNA position 1760, A replaced by G.
Protein change: p.Lys587Arg; replaces lysine 587 with arginine.
Molecular consequence: missense variant.
Genome position (GRCh38, 1-based): chr12:132,672,249, T>C on the plus strand (A>G on the coding strand, the complement: POLE is on the minus strand). VCF-style: chr12-132672249-T-C. GRCh37 (hg19) VCF-style: chr12-133248835-T-C.
Other names: short protein forms K587R.
Identifiers: ClinVar variation 568590 (VCV000568590.15), dbSNP rs750826256, ClinGen allele CA6893839.

ClinVar aggregate classification (germline): Uncertain significance. Review status: criteria provided, multiple submitters, no conflicts (2 of 4 stars). 5 submissions from 5 submitters: Uncertain significance (5). Last evaluated 2026-01-28.

Conditions:
Colorectal cancer, susceptibility to, 12 (CRCS12). Also called: COLORECTAL CANCER, SUSCEPTIBILITY TO, ON CHROMOSOME 12q24. Identifiers: Orphanet 220460, MedGen C3554460, MONDO:0014038, OMIM 615083.
Facial dysmorphism-immunodeficiency-livedo-short stature syndrome. Also called: Facial dysmorphism, immunodeficiency, livedo, and short stature; FILS syndrome. Identifiers: Orphanet 352712, MedGen C3554576, MONDO:0014058, OMIM 615139.
Intrauterine growth retardation, metaphyseal dysplasia, adrenal hypoplasia congenita, genital anomalies, and immunodeficiency. Also called: IMAGEI SYNDROME. Identifiers: MedGen C5193036, MONDO:0032684, OMIM 618336.
Hereditary cancer-predisposing syndrome. Also called: Neoplastic Syndromes, Hereditary; Tumor predisposition; Hereditary neoplastic syndrome; Hereditary Cancer Syndrome. Identifiers: Orphanet 140162, MedGen C0027672, MeSH D009386, MONDO:0015356.

Allele frequency attached by ClinVar (database versions not stated): ExAC 0.00001; gnomAD exomes 0.00001 and 0.00002; TOPMed 0.00003.
gnomAD v4.1: 9 of 1,614,168 alleles (0.00056%); highest among the groups gnomAD compares: Admixed American, 0.013%; no homozygotes.

Submissions (5):

Labcorp Genetics (formerly Invitae), Labcorp
Classification: Uncertain significance. Last evaluated: 2026-01-28. Review status: criteria provided, single submitter. Criteria: Invitae Variant Classification Sherloc (09022015). Collection method: clinical testing. Allele origin: germline.
Comment: This sequence change replaces lysine, which is basic and polar, with arginine, which is basic and polar, at codon 587 of the POLE protein (p.Lys587Arg). This variant is present in population databases (rs750826256, gnomAD 0.006%). This variant has not been reported in the literature in individuals affected with POLE-related conditions. ClinVar contains an entry for this variant (Variation ID: 568590). Invitae Evidence Modeling of protein sequence and biophysical properties (such as structural, functional, and spatial information, amino acid conservation, physicochemical variation, residue mobility, and thermodynamic stability) indicates that this missense variant is not expected to disrupt POLE protein function with a negative predictive value of 80%. In summary, the available evidence is currently insufficient to determine the role of this variant in disease. Therefore, it has been classified as a Variant of Uncertain Significance.

GeneDx
Classification: Uncertain significance. Last evaluated: 2024-06-17. Review status: criteria provided, single submitter. Criteria: GeneDx Variant Classification Process June 2021. Collection method: clinical testing. Allele origin: germline. Affected: yes.
Comment: Not observed at significant frequency in large population cohorts (gnomAD); In silico analysis indicates that this missense variant does not alter protein structure/function; Has not been previously published as pathogenic or benign to our knowledge; This variant is associated with the following publications: (PMID: 20951805)

Ambry Genetics
Classification: Uncertain significance for Hereditary cancer-predisposing syndrome. Last evaluated: 2024-01-28. Review status: criteria provided, single submitter. Criteria: Ambry Variant Classification Scheme 2023. Collection method: clinical testing. Allele origin: germline.
Comment: The p.K587R variant (also known as c.1760A>G), located in coding exon 16 of the POLE gene, results from an A to G substitution at nucleotide position 1760. The lysine at codon 587 is replaced by arginine, an amino acid with highly similar properties. This amino acid position is conserved. In addition, this alteration is predicted to be tolerated by in silico analysis. Since supporting evidence is limited at this time, the clinical significance of this alteration remains unclear.

Women's Health and Genetics/Laboratory Corporation of America, LabCorp
Classification: Uncertain significance. Last evaluated: 2023-06-10. Review status: criteria provided, single submitter. Criteria: LabCorp Variant Classification Summary - May 2015. Collection method: clinical testing. Allele origin: germline.

Fulgent Genetics
Classification: Uncertain significance for Colorectal cancer, susceptibility to, 12; Facial dysmorphism-immunodeficiency-livedo-short stature syndrome; Intrauterine growth retardation, metaphyseal dysplasia, adrenal hypoplasia congenita, genital anomalies, and immunodeficiency. Last evaluated: 2021-09-27. Review status: criteria provided, single submitter. Criteria: ACMG Guidelines, 2015. Collection method: clinical testing. Allele origin: unknown.